The following is an entry in ClinVar:

NM_024496.4(IRF2BPL):c.803C>T (p.Ala268Val)

Gene: IRF2BPL (interferon regulatory factor 2 binding protein like; minus strand). Cytogenetic location: 14q24.3.
Variant type: single nucleotide variant.
Coding change: c.803C>T on transcript NM_024496.4 (MANE Select); coding-DNA position 803, C replaced by T.
Protein change: p.Ala268Val; replaces alanine 268 with valine.
Molecular consequence: missense variant.
Genome position (GRCh38, 1-based): chr14:77,026,990, G>A on the plus strand (C>T on the coding strand, the complement: IRF2BPL is on the minus strand). VCF-style: chr14-77026990-G-A. GRCh37 (hg19) VCF-style: chr14-77493333-G-A.
Other names: short protein forms A268V.
Identifiers: ClinVar variation 4056807 (VCV004056807.1).

ClinVar aggregate classification (germline): Uncertain significance (1 of 4 stars; one submission).

Conditions:
Neurodevelopmental disorder with regression, abnormal movements, loss of speech, and seizures. Identifiers: Orphanet 597623, MedGen C4748127, MONDO:0060759, OMIM 618088.

Submission:

Laboratorio de Genetica e Diagnostico Molecular, Hospital Israelita Albert Einstein
Classification: Uncertain significance for Neurodevelopmental disorder with regression, abnormal movements, loss of speech, and seizures. Last evaluated: 2022-12-01. Review status: criteria provided, single submitter. Criteria: ACMG Guidelines, 2015. Collection method: clinical testing. Allele origin: germline. Affected: yes.
Comment: ACMG classification criteria: PM2 moderate, BP4 supporting